The following is an entry in ClinVar:

ClinVar aggregate classification (germline): Benign/Likely benign. Review status: criteria provided, multiple submitters, no conflicts (2 of 4 stars). 10 submissions from 10 submitters: Benign (5); Likely benign (3). 2 of the submissions do not count toward it. Last evaluated 2026-09-01.

Conditions:
Zellweger spectrum disorders (ZS). Also called: Zellweger Spectrum Disorder; Zellweger Spectrum; Zellweger syndrome; Zellweger Spectrum Disorder (ZSD). Identifiers: Orphanet 912, MedGen C0043459, MONDO:0019609.
Peroxisome biogenesis disorder 4A (Zellweger) (PBD4A). Also called: Zellweger syndrome spectrum (PEX6-related). Identifiers: Orphanet 912, MedGen C3553936, MONDO:0013930, OMIM 614862. Disease mechanism: loss of function.
Peroxisome biogenesis disorder. Identifiers: Orphanet 79189, MedGen C1832200, MONDO:0019234. Disease mechanism: loss of function.

Allele frequency attached by ClinVar (database versions not stated): ESP Exome Variant Server 0.00242; gnomAD 0.00486 and 0.00513; 1000 Genomes Project 0.00539; 1000 Genomes Project 30x 0.00562; TOPMed 0.00576; gnomAD exomes 0.00769; ExAC 0.01572.
gnomAD v4.1: 10,407 of 1,533,228 alleles (0.68%); highest among the groups gnomAD compares: Middle Eastern, 2%; 60 homozygotes.

Submissions (10):

CeGaT Center for Human Genetics Tuebingen
Classification: Benign. Last evaluated: 2026-09-01. Review status: criteria provided, single submitter. Criteria: CeGaT Center For Human Genetics Tuebingen Variant Classification Criteria Version 2. Collection method: clinical testing. Allele origin: germline. Affected: yes. Observed: 20 variant alleles.
Comment: PEX6: BP4, BP7, BS1, BS2

Labcorp Genetics (formerly Invitae), Labcorp
Classification: Benign for Peroxisome biogenesis disorder. Last evaluated: 2026-02-04. Review status: criteria provided, single submitter. Criteria: Invitae Variant Classification Sherloc (09022015). Collection method: clinical testing. Allele origin: germline.

ARUP Laboratories, Molecular Genetics and Genomics, ARUP Laboratories
Classification: Benign. Last evaluated: 2025-03-06. Review status: criteria provided, single submitter. Criteria: ARUP Molecular Germline Variant Investigation Process 2024. Collection method: clinical testing. Allele origin: germline.

GeneDx
Classification: Likely benign. Last evaluated: 2021-03-06. Review status: criteria provided, single submitter. Criteria: GeneDx Variant Classification Process June 2021. Collection method: clinical testing. Allele origin: germline. Affected: yes.

Athena Diagnostics
Classification: Benign. Last evaluated: 2019-12-05. Review status: criteria provided, single submitter. Criteria: Athena Diagnostics Criteria. Collection method: clinical testing. Allele origin: unknown.

Illumina Laboratory Services, Illumina
Classification: Likely benign for Peroxisome biogenesis disorder 4A (Zellweger). Last evaluated: 2017-04-27. Review status: criteria provided, single submitter. Criteria: ICSL Variant Classification Criteria 13 December 2019. Collection method: clinical testing. Allele origin: germline.
Comment: This variant was observed as part of a predisposition screen in an ostensibly healthy population. A literature search was performed for the gene, cDNA change, and amino acid change (where applicable). Publications were found based on this search. The evidence from the literature, in combination with allele frequency data from public databases where available, was sufficient to determine this variant is unlikely to cause disease. Therefore, this variant is classified as likely benign.

Eurofins Ntd Llc (ga)
Classification: Benign. Last evaluated: 2013-05-01. Review status: criteria provided, single submitter. Criteria: EGL Classification Definitions 2015. Collection method: clinical testing. Allele origin: germline. Observed: 4 variant alleles, 4 heterozygotes.

Breakthrough Genomics
Classification: Likely benign. Review status: criteria provided, single submitter. Criteria: ACMG Guidelines, 2015. Collection method: not provided. Allele origin: germline. Inheritance: Autosomal recessive inheritance. Affected: yes.

Natera, Inc.
Classification: Benign for Zellweger syndrome. Last evaluated: 2019-12-09. Review status: no assertion criteria provided. Collection method: clinical testing. Allele origin: germline. Not counted in ClinVar's aggregate classification.

Mayo Clinic Laboratories, Mayo Clinic
Classification: Likely benign. Last evaluated: 2017-10-03. Review status: no assertion criteria provided. Collection method: clinical testing. Allele origin: unknown. Not counted in ClinVar's aggregate classification.

Literature cited by the submitters: PubMed 19877282 (cited by Athena Diagnostics and Illumina Laboratory Services, Illumina); PubMed 26094004 (cited by Athena Diagnostics and Illumina Laboratory Services, Illumina).

NM_000287.4(PEX6):c.330C>G (p.Thr110=)

Gene: PEX6 (peroxisomal biogenesis factor 6; minus strand). Cytogenetic location: 6p21.1.
Variant type: single nucleotide variant.
Coding change: c.330C>G on transcript NM_000287.4 (MANE Select); coding-DNA position 330, C replaced by G.
Protein change: p.Thr110=; no amino-acid change (threonine 110 retained).
Molecular consequence: synonymous variant. On other transcripts: non-coding transcript variant (1).
Genome position (GRCh38, 1-based): chr6:42,978,821, G>C on the plus strand (C>G on the coding strand, the complement: PEX6 is on the minus strand). VCF-style: chr6-42978821-G-C. GRCh37 (hg19) VCF-style: chr6-42946559-G-C.
Other names: c.330C>G, p.Thr110= (NM_001316313.2).
Identifiers: ClinVar variation 92788 (VCV000092788.56), dbSNP rs140486558, ClinGen allele CA146012.